The following is an entry in ClinVar:

NM_020964.3(EPG5):c.4611G>A (p.Val1537=)

Gene: EPG5 (ectopic P-granules 5 autophagy tethering factor; minus strand). Cytogenetic location: 18q21.1.
Variant type: single nucleotide variant.
Coding change: c.4611G>A on transcript NM_020964.3 (MANE Select); coding-DNA position 4611, G replaced by A.
Protein change: p.Val1537=; no amino-acid change (valine 1537 retained).
Molecular consequence: synonymous variant.
Genome position (GRCh38, 1-based): chr18:45,901,031, C>T on the plus strand (G>A on the coding strand, the complement: EPG5 is on the minus strand). VCF-style: chr18-45901031-C-T. GRCh37 (hg19) VCF-style: chr18-43480996-C-T.
Other names: c.4611G>A (NM_020964.2).
Identifiers: ClinVar variation 1093400 (VCV001093400.11), dbSNP rs973368539, ClinGen allele CA299752227.

ClinVar aggregate classification (germline): Likely benign. Review status: criteria provided, single submitter (1 of 4 stars). 2 submissions from 2 submitters: Likely benign (1). 1 of the submissions does not count toward it. Last evaluated 2024-01-26.

Conditions:
Vici syndrome (VICIS). Identifiers: Orphanet 1493, MedGen C1855772, MONDO:0009452, OMIM 242840.
EPG5-related disorder. Also called: EPG5-related condition. Identifiers: MedGen CN381528.

Allele frequency attached by ClinVar (database versions not stated): gnomAD 0.00001; gnomAD exomes 0.00001; TOPMed 0.00003.
gnomAD v4.1: 24 of 1,614,016 alleles (0.0015%); highest among the groups gnomAD compares: Non-Finnish European, 0.0018%; no homozygotes.

Submissions (2):

Labcorp Genetics (formerly Invitae), Labcorp
Classification: Likely benign for Vici syndrome. Last evaluated: 2024-01-26. Review status: criteria provided, single submitter. Criteria: Invitae Variant Classification Sherloc (09022015). Collection method: clinical testing. Allele origin: germline.

PreventionGenetics, part of Exact Sciences
Classification: Likely benign for EPG5-related condition. Last evaluated: 2024-09-10. Review status: no assertion criteria provided. Collection method: clinical testing. Allele origin: germline. Not counted in ClinVar's aggregate classification.
Comment: This variant is classified as likely benign based on ACMG/AMP sequence variant interpretation guidelines (Richards et al. 2015 PMID: 25741868, with internal and published modifications).